The following is an entry in ClinVar:

NM_001034850.3(RETREG1):c.207C>G (p.Thr69=)

Genes: RETREG1 (reticulophagy regulator 1; minus strand), RETREG1-AS1 (RETREG1 antisense RNA 1; plus strand), LOC129993734 (ATAC-STARR-seq lymphoblastoid silent region 15947; plus strand). Cytogenetic location: 5p15.1.
Variant type: single nucleotide variant.
Coding change: c.207C>G on transcript NM_001034850.3 (MANE Select); coding-DNA position 207, C replaced by G.
Protein change: p.Thr69=; no amino-acid change (threonine 69 retained).
Molecular consequence: synonymous variant.
Genome position (GRCh38, 1-based): chr5:16,616,765, G>C on the plus strand (C>G on the coding strand, the complement: RETREG1 is on the minus strand). VCF-style: chr5-16616765-G-C. GRCh37 (hg19) VCF-style: chr5-16616874-G-C.
Identifiers: ClinVar variation 538136 (VCV000538136.40), dbSNP rs761759311, ClinGen allele CA3210542.

ClinVar aggregate classification (germline): Likely benign. Review status: criteria provided, multiple submitters, no conflicts (2 of 4 stars). 3 submissions from 3 submitters: Likely benign (3). Last evaluated 2025-09-17.

Conditions:
RETREG1-related disorder. Also called: RETREG1-related condition.

Allele frequency attached by ClinVar (database versions not stated): ExAC below 0.00001; gnomAD exomes 0.00001; TOPMed 0.00010; gnomAD 0.00016.
gnomAD v4.1: 57 of 1,551,432 alleles (0.0037%); highest among the groups gnomAD compares: African/African-American, 0.055%; 1 homozygote.

Submissions (3):

PreventionGenetics, part of Exact Sciences
Classification: Likely benign for RETREG1-related condition. Last evaluated: 2025-09-17. Review status: criteria provided, single submitter. Criteria: ACMG Guidelines, 2015. Collection method: clinical testing. Allele origin: germline.
Comment: This variant is classified as likely benign based on ACMG/AMP sequence variant interpretation guidelines (Richards et al. 2015 PMID: 25741868, with internal and published modifications).

Labcorp Genetics (formerly Invitae), Labcorp
Classification: Likely benign. Last evaluated: 2025-03-30. Review status: criteria provided, single submitter. Criteria: Invitae Variant Classification Sherloc (09022015). Collection method: clinical testing. Allele origin: germline.

CeGaT Center for Human Genetics Tuebingen
Classification: Likely benign. Last evaluated: 2022-07-01. Review status: criteria provided, single submitter. Criteria: CeGaT Center For Human Genetics Tuebingen Variant Classification Criteria Version 2. Collection method: clinical testing. Allele origin: germline. Affected: yes. Observed: 1 variant allele.
Comment: RETREG1: BP4, BP7